The following is an entry in ClinVar:

ClinVar aggregate classification (germline): Uncertain significance (1 of 4 stars; one submission).

Conditions:
Bailey-Bloch congenital myopathy (CMYO13). Also called: Native American myopathy; Congenital myopathy 13; STAC3 disorder. Identifiers: Orphanet 168572, MedGen C1850625, MONDO:0009722, OMIM 255995.

Submission:

Labcorp Genetics (formerly Invitae), Labcorp
Classification: Uncertain significance for Bailey-Bloch congenital myopathy. Last evaluated: 2025-04-21. Review status: criteria provided, single submitter. Criteria: Invitae Variant Classification Sherloc (09022015). Collection method: clinical testing. Allele origin: germline.
Comment: This sequence change replaces phenylalanine, which is neutral and non-polar, with tyrosine, which is neutral and polar, at codon 116 of the STAC3 protein (p.Phe116Tyr). This variant is not present in population databases (gnomAD no frequency). This variant has not been reported in the literature in individuals affected with STAC3-related conditions. ClinVar contains an entry for this variant (Variation ID: 2856431). Invitae Evidence Modeling of protein sequence and biophysical properties (such as structural, functional, and spatial information, amino acid conservation, physicochemical variation, residue mobility, and thermodynamic stability) indicates that this missense variant is not expected to disrupt STAC3 protein function with a negative predictive value of 80%. In summary, the available evidence is currently insufficient to determine the role of this variant in disease. Therefore, it has been classified as a Variant of Uncertain Significance.

NM_145064.3(STAC3):c.347T>A (p.Phe116Tyr)

Gene: STAC3 (SH3 and cysteine rich domain 3; minus strand). Cytogenetic location: 12q13.3.
Variant type: single nucleotide variant.
Coding change: c.347T>A on transcript NM_145064.3 (MANE Select); coding-DNA position 347, T replaced by A.
Protein change: p.Phe116Tyr; replaces phenylalanine 116 with tyrosine.
Molecular consequence: missense variant. On other transcripts: intron variant (1).
Genome position (GRCh38, 1-based): chr12:57,248,791, A>T on the plus strand (T>A on the coding strand, the complement: STAC3 is on the minus strand). VCF-style: chr12-57248791-A-T. GRCh37 (hg19) VCF-style: chr12-57642574-A-T.
Other names: c.230T>A, p.Phe77Tyr (NM_001286256.2); c.-126-593T>A (NM_001286257.2); short protein forms F116Y, F77Y.
Identifiers: ClinVar variation 2856431 (VCV002856431.3), dbSNP rs1565783065, ClinGen allele CA385416244.